The following is an entry in ClinVar:

ClinVar aggregate classification (germline): Benign (1 of 4 stars; one submission).

Conditions:
Ehlers-Danlos syndrome, dermatosparaxis type. Also called: EDS VIIC; Dermatosparaxis; Ehlers-Danlos syndrome, type VII, autosomal recessive. Identifiers: Orphanet 1901, MedGen C2700425, MONDO:0009161, OMIM 225410.

Allele frequency attached by ClinVar (database versions not stated): gnomAD 0.00053 and 0.00083; TOPMed 0.00073; gnomAD exomes 0.00114; 1000 Genomes Project 30x 0.00468; 1000 Genomes Project 0.00499.
gnomAD v4.1: 528 of 478,228 alleles (0.11%); highest among the groups gnomAD compares: East Asian, 1.7%; 9 homozygotes.

Submission:

Illumina Laboratory Services, Illumina
Classification: Benign for Ehlers-Danlos syndrome, dermatosparaxis type. Last evaluated: 2018-01-13. Review status: criteria provided, single submitter. Criteria: ICSL Variant Classification Criteria 13 December 2019. Collection method: clinical testing. Allele origin: germline.
Comment: This variant was observed in the ICSL laboratory as part of a predisposition screen in an ostensibly healthy population. It had not been previously curated by ICSL or reported in the Human Gene Mutation Database (HGMD: prior to June 1st, 2018), and was therefore a candidate for classification through an automated scoring system. Utilizing variant allele frequency, disease prevalence and penetrance estimates, and inheritance mode, an automated score was calculated to assess if this variant is too frequent to cause the disease. Based on the score and internal cut-off values, a variant classified as benign is not then subjected to further curation. The score for this variant resulted in a classification of benign for this disease.

NM_014244.5(ADAMTS2):c.*288G>A

Gene: ADAMTS2 (ADAM metallopeptidase with thrombospondin type 1 motif 2; minus strand). Cytogenetic location: 5q35.3.
Variant type: single nucleotide variant.
Coding change: c.*288G>A on transcript NM_014244.5 (MANE Select); 288 bases downstream of the stop codon, G replaced by A.
Molecular consequence: 3 prime UTR variant.
Genome position (GRCh38, 1-based): chr5:179,113,579, C>T on the plus strand (G>A on the coding strand, the complement: ADAMTS2 is on the minus strand). VCF-style: chr5-179113579-C-T. GRCh37 (hg19) VCF-style: chr5-178540580-C-T.
Identifiers: ClinVar variation 353078 (VCV000353078.5), dbSNP rs59090242, ClinGen allele CA10621503.